The following is an entry in ClinVar:

ClinVar aggregate classification (germline): Uncertain significance (1 of 4 stars; one submission).

Conditions:
Hereditary cancer-predisposing syndrome. Also called: Neoplastic Syndromes, Hereditary; Tumor predisposition; Hereditary Cancer Syndrome; Hereditary neoplastic syndrome. Identifiers: Orphanet 140162, MedGen C0027672, MeSH D009386, MONDO:0015356.

Submission:

Ambry Genetics
Classification: Uncertain significance for Hereditary cancer-predisposing syndrome. Last evaluated: 2026-05-30. Review status: criteria provided, single submitter. Criteria: Ambry Variant Classification Scheme 2023. Collection method: clinical testing. Allele origin: germline.
Comment: The p.L696F variant (also known as c.2086C>T), located in coding exon 12 of the DICER1 gene, results from a C to T substitution at nucleotide position 2086. The leucine at codon 696 is replaced by phenylalanine, an amino acid with highly similar properties. This amino acid position is conserved. In addition, the in silico prediction for this alteration is inconclusive. Based on the available evidence, the clinical significance of this variant remains unclear.

NM_177438.3(DICER1):c.2086C>T (p.Leu696Phe)

Gene: DICER1 (dicer 1, ribonuclease III; minus strand). Cytogenetic location: 14q32.13.
Variant type: single nucleotide variant.
Coding change: c.2086C>T on transcript NM_177438.3 (MANE Select); coding-DNA position 2086, C replaced by T.
Protein change: p.Leu696Phe; replaces leucine 696 with phenylalanine.
Molecular consequence: missense variant. On other transcripts: non-coding transcript variant (6).
Genome position (GRCh38, 1-based): chr14:95,112,202, G>A on the plus strand (C>T on the coding strand, the complement: DICER1 is on the minus strand). VCF-style: chr14-95112202-G-A. GRCh37 (hg19) VCF-style: chr14-95578539-G-A.
Other names: c.2086C>T, p.Leu696Phe (NM_001195573.1, NM_001271282.3, NM_001291628.2 and 12 more transcripts); c.1804C>T, p.Leu602Phe (NM_001395686.1); c.1681C>T, p.Leu561Phe (NM_001395687.1, NM_001395688.1, NM_001395689.1 and 3 more transcripts); c.1519C>T, p.Leu507Phe (NM_001395691.1); c.403C>T, p.Leu135Phe (NM_001395697.1); short protein forms L135F, L507F, L561F, L602F, L696F.
Identifiers: ClinVar variation 4869805 (VCV004869805.1).